The following is an entry in ClinVar:

ClinVar aggregate classification (germline): Uncertain significance (1 of 4 stars; one submission).

Allele frequency attached by ClinVar (database versions not stated): gnomAD 0.00005 and 0.00006; ESP Exome Variant Server 0.00010; TOPMed 0.00011; 1000 Genomes Project 30x 0.00042; gnomAD exomes 0.00002 and 0.00003.
gnomAD v4.1: 44 of 1,208,504 alleles (0.0036%); highest among the groups gnomAD compares: Admixed American, 0.015%; no homozygotes.

Submission:

GeneDx
Classification: Uncertain significance. Last evaluated: 2012-11-03. Review status: criteria provided, single submitter. Criteria: GeneDx Variant Classification (06012015). Collection method: clinical testing. Allele origin: germline. Affected: yes.
Comment: c.57+5 G>A:IVS2+5 G>A in intron 2 of the ALAS2 gene (NM_001037968.3). The c.57+5 G>A sequence change has not been published as a mutation, nor has it been reported as a benign polymorphism to our knowledge. Multiple in-silico splice prediction models predict that c.57+5 G>A either damages or destroys the natural splice donor site in intron 5, which would be expected to result in abnormal gene splicing. However, the true effect of c.57+5 G>A on splicing in vivo is not known. Therefore, based on the currently available information, it is unclear whether c.57+5 G>A is a disease-causing mutation or a rare benign variant. The variant is found in MITONUC-MITOP panel(s).

NM_000032.5(ALAS2):c.-15-1731G>A

Genes: ALAS2 (5'-aminolevulinate synthase 2; minus strand), LOC108663984 (ALAS2 intron 1 and 3 erythroid regulatory elements; plus strand). Cytogenetic location: Xp11.21.
Variant type: single nucleotide variant.
Coding change: c.-15-1731G>A on transcript NM_000032.5 (MANE Select); 1731 bases into the intron before 15 bases upstream of the start codon, G replaced by A.
Molecular consequence: intron variant.
Genome position (GRCh38, 1-based): chrX:55,027,746, C>T on the plus strand (G>A on the coding strand, the complement: ALAS2 is on the minus strand). VCF-style: chrX-55027746-C-T. GRCh37 (hg19) VCF-style: chrX-55054179-C-T.
Other names: c.-15-1731G>A (LRG_1163t1, NM_001037967.4); c.57+5G>A (NM_001037968.4).
Identifiers: ClinVar variation 214101 (VCV000214101.2), dbSNP rs370446998, ClinGen allele CA320224.
Genomic context (GRCh38, chrX:55,027,746, plus strand): 5'-TCATATGGCAACCTCCTTCATCTCCCTCCCTTCCTGATCTCATAGAACAAGCACCCTCCC[C>T]GTACCTCACAAAACAACCTCTTTTTCTTGTTCCATCCCAGAGCAACCTCTCCCCCTCTCA-3'